The following is an entry in ClinVar:

ClinVar aggregate classification (germline): Uncertain significance (1 of 4 stars; one submission).

Allele frequency attached by ClinVar (database versions not stated): gnomAD exomes below 0.00001.
gnomAD v4.1: 2 of 1,210,348 alleles (0.00017%); highest among the groups gnomAD compares: South Asian, 0.0035%; no homozygotes.

Submission:

Labcorp Genetics (formerly Invitae), Labcorp
Classification: Uncertain significance. Last evaluated: 2022-09-16. Review status: criteria provided, single submitter. Criteria: Invitae Variant Classification Sherloc (09022015). Collection method: clinical testing. Allele origin: germline.
Comment: Variants that disrupt the consensus splice site are a relatively common cause of aberrant splicing (PMID: 17576681, 9536098). Algorithms developed to predict the effect of sequence changes on RNA splicing suggest that this variant is not likely to affect RNA splicing. This sequence change falls in intron 1 of the ABCB7 gene. It does not directly change the encoded amino acid sequence of the ABCB7 protein. It affects a nucleotide within the consensus splice site. This variant is not present in population databases (gnomAD no frequency). This variant has not been reported in the literature in individuals affected with ABCB7-related conditions. In summary, the available evidence is currently insufficient to determine the role of this variant in disease. Therefore, it has been classified as a Variant of Uncertain Significance.

Literature cited by the submitters: PubMed 17576681; PubMed 9536098.

NM_001271696.3(ABCB7):c.168+3G>A

Genes: ABCB7 (ATP binding cassette subfamily B member 7; minus strand), LOC130068449 (ATAC-STARR-seq lymphoblastoid active region 29770; plus strand). Cytogenetic location: Xq13.3.
Variant type: single nucleotide variant.
Coding change: c.168+3G>A on transcript NM_001271696.3 (MANE Select); 3 bases into the intron after coding-DNA position 168, G replaced by A.
Molecular consequence: intron variant.
Genome position (GRCh38, 1-based): chrX:75,156,102, C>T on the plus strand (G>A on the coding strand, the complement: ABCB7 is on the minus strand). VCF-style: chrX-75156102-C-T. GRCh37 (hg19) VCF-style: chrX-74375937-C-T.
Other names: c.168+3G>A (NM_001271698.3, NM_001271697.3, NM_001271699.3 and 1 more transcripts).
Identifiers: ClinVar variation 2026015 (VCV002026015.4), dbSNP rs746168059, ClinGen allele CA10455588.